The following is an entry in ClinVar:

NM_003587.5(DHX16):c.710A>C (p.Lys237Thr)

Gene: DHX16 (DEAH-box helicase 16; minus strand). Cytogenetic location: 6p21.33.
Variant type: single nucleotide variant.
Coding change: c.710A>C on transcript NM_003587.5 (MANE Select); coding-DNA position 710, A replaced by C.
Protein change: p.Lys237Thr; replaces lysine 237 with threonine.
Molecular consequence: missense variant. On other transcripts: 5 prime UTR variant (1).
Genome position (GRCh38, 1-based): chr6:30,665,690, T>G on the plus strand (A>C on the coding strand, the complement: DHX16 is on the minus strand). VCF-style: chr6-30665690-T-G. GRCh37 (hg19) VCF-style: chr6-30633467-T-G.
Other names: c.530A>C, p.Lys177Thr (NM_001164239.2); c.-1410A>C (NM_001363515.2); short protein forms K177T, K237T.
Identifiers: ClinVar variation 3899170 (VCV003899170.2).

ClinVar aggregate classification (germline): Uncertain significance (1 of 4 stars; one submission).

gnomAD v4.1: 2 of 1,612,022 alleles (0.00012%); highest among the groups gnomAD compares: African/African-American, 0.0027%; no homozygotes.

Submission:

GeneDx
Classification: Uncertain significance. Last evaluated: 2025-08-20. Review status: criteria provided, single submitter. Criteria: GeneDx Variant Classification Process June 2021. Collection method: clinical testing. Allele origin: germline.
Comment: Not observed at significant frequency in large population cohorts (gnomAD); In silico analysis supports that this missense variant has a deleterious effect on protein structure/function; Has not been previously published as pathogenic or benign to our knowledge